The following is an entry in ClinVar:

ClinVar aggregate classification (germline): Uncertain significance (1 of 4 stars; one submission).

Conditions:
Deafness-lymphedema-leukemia syndrome. Also called: Emberger syndrome; Lymphedema, primary, with myelodysplasia. Identifiers: Orphanet 3226, MedGen C3279664, MONDO:0013540, OMIM 614038.
Monocytopenia with susceptibility to infections. Also called: GATA2 DEFICIENCY; MONOCYTOPENIA AND MYCOBACTERIAL INFECTION SYNDROME; MONOCYTOPENIA WITH SUSCEPTIBILITY TO MYCOBACTERIAL, FUNGAL, AND PAPILLOMAVIRUS INFECTIONS AND MYELODYSPLASIA; COMBINED IMMUNODEFICIENCY WITH SUSCEPTIBILITY TO MYCOBACTERIAL, VIRAL, AND FUNGAL INFECTIONS; Dendritic cell, monocyte, B lymphocyte, and natural killer lymphocyte deficiency; IMMUNODEFICIENCY 21. Identifiers: Orphanet 228423, MedGen C3280030, MONDO:0013607, OMIM 614172.

Submission:

Labcorp Genetics (formerly Invitae), Labcorp
Classification: Uncertain significance for Monocytopenia with susceptibility to infections; Deafness-lymphedema-leukemia syndrome. Last evaluated: 2022-02-05. Review status: criteria provided, single submitter. Criteria: Invitae Variant Classification Sherloc (09022015). Collection method: clinical testing. Allele origin: germline.
Comment: This sequence change replaces phenylalanine, which is neutral and non-polar, with tyrosine, which is neutral and polar, at codon 171 of the GATA2 protein (p.Phe171Tyr). In summary, the available evidence is currently insufficient to determine the role of this variant in disease. Therefore, it has been classified as a Variant of Uncertain Significance. Advanced modeling of protein sequence and biophysical properties (such as structural, functional, and spatial information, amino acid conservation, physicochemical variation, residue mobility, and thermodynamic stability) performed at Invitae indicates that this missense variant is not expected to disrupt GATA2 protein function. This variant has not been reported in the literature in individuals affected with GATA2-related conditions. This variant is not present in population databases (gnomAD no frequency).

NM_032638.5(GATA2):c.512T>A (p.Phe171Tyr)

Gene: GATA2 (GATA binding protein 2; minus strand). Cytogenetic location: 3q21.3.
Variant type: single nucleotide variant.
Coding change: c.512T>A on transcript NM_032638.5 (MANE Select); coding-DNA position 512, T replaced by A.
Protein change: p.Phe171Tyr; replaces phenylalanine 171 with tyrosine.
Molecular consequence: missense variant.
Genome position (GRCh38, 1-based): chr3:128,486,086, A>T on the plus strand (T>A on the coding strand, the complement: GATA2 is on the minus strand). VCF-style: chr3-128486086-A-T. GRCh37 (hg19) VCF-style: chr3-128204929-A-T.
Other names: c.512T>A, p.Phe171Tyr (NM_001145661.2, NM_001145662.1); short protein forms F171Y.
Identifiers: ClinVar variation 2093473 (VCV002093473.4), dbSNP rs2472931192, ClinGen allele CA354406611.